The following is an entry in ClinVar:

ClinVar aggregate classification (germline): Uncertain significance (1 of 4 stars; one submission).

Conditions:
Catecholaminergic polymorphic ventricular tachycardia 1. Also called: RYR2-Related Catecholaminergic Polymorphic Ventricular Tachycardia; VENTRICULAR TACHYCARDIA, CATECHOLAMINERGIC POLYMORPHIC, 1, WITH OR WITHOUT ATRIAL DYSFUNCTION AND/OR DILATED CARDIOMYOPATHY; VENTRICULAR TACHYCARDIA, STRESS-INDUCED POLYMORPHIC 1. Identifiers: Orphanet 3286, MedGen C1631597, MONDO:0011484, OMIM 604772.

Submission:

Labcorp Genetics (formerly Invitae), Labcorp
Classification: Uncertain significance for Catecholaminergic polymorphic ventricular tachycardia 1. Last evaluated: 2025-02-10. Review status: criteria provided, single submitter. Criteria: Invitae Variant Classification Sherloc (09022015). Collection method: clinical testing. Allele origin: germline.
Comment: This sequence change replaces threonine, which is neutral and polar, with isoleucine, which is neutral and non-polar, at codon 351 of the RYR2 protein (p.Thr351Ile). This variant is not present in population databases (gnomAD no frequency). This variant has not been reported in the literature in individuals affected with RYR2-related conditions. Invitae Evidence Modeling of protein sequence and biophysical properties (such as structural, functional, and spatial information, amino acid conservation, physicochemical variation, residue mobility, and thermodynamic stability) indicates that this missense variant is not expected to disrupt RYR2 protein function with a negative predictive value of 95%. In summary, the available evidence is currently insufficient to determine the role of this variant in disease. Therefore, it has been classified as a Variant of Uncertain Significance.

NM_001035.3(RYR2):c.1052C>T (p.Thr351Ile)

Gene: RYR2 (ryanodine receptor 2; plus strand). Cytogenetic location: 1q43.
Variant type: single nucleotide variant.
Coding change: c.1052C>T on transcript NM_001035.3 (MANE Select); coding-DNA position 1052, C replaced by T.
Protein change: p.Thr351Ile; replaces threonine 351 with isoleucine.
Molecular consequence: missense variant.
Genome position (GRCh38, 1-based): chr1:237,441,365, C>T. VCF-style: chr1-237441365-C-T. GRCh37 (hg19) VCF-style: chr1-237604665-C-T.
Other names: short protein forms T351I.
Identifiers: ClinVar variation 4706592 (VCV004706592.1).